The following is an entry in ClinVar:

ClinVar aggregate classification (germline): Uncertain significance (1 of 4 stars; one submission).

Conditions:
Familial thoracic aortic aneurysm and aortic dissection (TAAD). Also called: Thoracic aortic aneurysms and dissections. Identifiers: Orphanet 91387, MedGen C4707243, MONDO:0019625.

gnomAD v4.1: 1 of 1,614,006 alleles (0.000062%); highest among the groups gnomAD compares: Non-Finnish European, 0.000085%; no homozygotes.

Submission:

Color Diagnostics, LLC DBA Color Health
Classification: Uncertain significance for Familial thoracic aortic aneurysm and aortic dissection. Last evaluated: 2025-07-07. Review status: criteria provided, single submitter. Criteria: ACMG Guidelines, 2015. Collection method: clinical testing. Allele origin: germline.
Comment: This missense variant replaces threonine with alanine at codon 270 of the MYH11 protein. Computational prediction suggests that this variant may have deleterious impact on protein structure and function. To our knowledge, functional studies have not been reported for this variant. This variant has not been reported in individuals affected with MYH11-related disorders in the literature. This variant has not been identified in the general population by the Genome Aggregation Database (gnomAD). The available evidence is insufficient to determine the role of this variant in disease conclusively. Therefore, this variant is classified as a Variant of Uncertain Significance.

NM_002474.3(MYH11):c.787A>G (p.Thr263Ala)

Gene: MYH11 (myosin heavy chain 11; minus strand). Cytogenetic location: 16p13.11.
Variant type: single nucleotide variant.
Coding change: c.787A>G on transcript NM_002474.3 (MANE Select); coding-DNA position 787, A replaced by G.
Protein change: p.Thr263Ala; replaces threonine 263 with alanine.
Molecular consequence: missense variant.
Genome position (GRCh38, 1-based): chr16:15,778,783, T>C on the plus strand (A>G on the coding strand, the complement: MYH11 is on the minus strand). VCF-style: chr16-15778783-T-C. GRCh37 (hg19) VCF-style: chr16-15872640-T-C.
Other names: c.808A>G, p.Thr270Ala (NM_001040113.2, NM_001040114.2); c.787A>G, p.Thr263Ala (NM_022844.3); short protein forms T263A, T270A.
Identifiers: ClinVar variation 4756647 (VCV004756647.1).
Genomic context (GRCh38, chr16:15,778,783, plus strand): 5'-CAGGAGATTGGTAGGGGGCAGGGGTACCCATTTGGCCCAGGCTCAGGGAAAGGATACAGG[T>C]CTCAATGTTGGCTCCCACGATGTAACCCGTGACGTCGAAGTTGATGCGGATGAATTTGCC-3'
Protein context (NP_002465.1, residues 253-273): TGYIVGANIE[Thr263Ala]YLLEKSRAIR